The following is an entry in ClinVar:

ClinVar aggregate classification (germline): Uncertain significance (1 of 4 stars; one submission).

Conditions:
PTPRQ-related disorder. Also called: PTPRQ-related condition.

gnomAD v4.1: 22 of 1,550,440 alleles (0.0014%); highest among the groups gnomAD compares: Non-Finnish European, 0.0018%; no homozygotes.

Submission:

PreventionGenetics, part of Exact Sciences
Classification: Uncertain significance for PTPRQ-related condition. Last evaluated: 2025-04-30. Review status: criteria provided, single submitter. Criteria: ACMG Guidelines, 2015. Collection method: clinical testing. Allele origin: germline.
Comment: The PTPRQ c.3399C>A variant is predicted to result in the amino acid substitution p.Phe1133Leu. To our knowledge, this variant has not been reported in the literature or in a large population database (gnomAD), indicating this variant is rare. At this time, the clinical significance of this variant is uncertain due to the absence of conclusive functional and genetic evidence.

NM_001145026.2(PTPRQ):c.3399C>A (p.Phe1133Leu)

Gene: PTPRQ (protein tyrosine phosphatase receptor type Q; plus strand). Cytogenetic location: 12q21.31.
Variant type: single nucleotide variant.
Coding change: c.3399C>A on transcript NM_001145026.2 (MANE Select); coding-DNA position 3399, C replaced by A.
Protein change: p.Phe1133Leu; replaces phenylalanine 1133 with leucine.
Molecular consequence: missense variant.
Genome position (GRCh38, 1-based): chr12:80,541,799, C>A. VCF-style: chr12-80541799-C-A. GRCh37 (hg19) VCF-style: chr12-80935578-C-A.
Other names: short protein forms F1133L.
Identifiers: ClinVar variation 4990034 (VCV004990034.1).